The following is an entry in ClinVar:

NM_022095.4(ZNF335):c.182A>C (p.Asp61Ala)

Gene: ZNF335 (zinc finger protein 335; minus strand). Cytogenetic location: 20q13.12.
Variant type: single nucleotide variant.
Coding change: c.182A>C on transcript NM_022095.4 (MANE Select); coding-DNA position 182, A replaced by C.
Protein change: p.Asp61Ala; replaces aspartic acid 61 with alanine.
Molecular consequence: missense variant.
Genome position (GRCh38, 1-based): chr20:45,971,229, T>G on the plus strand (A>C on the coding strand, the complement: ZNF335 is on the minus strand). VCF-style: chr20-45971229-T-G. GRCh37 (hg19) VCF-style: chr20-44599868-T-G.
Other names: c.182A>C (NM_022095.3); short protein forms D61A.
Identifiers: ClinVar variation 1909367 (VCV001909367.6), dbSNP rs1046450853, ClinGen allele CA315610042.

ClinVar aggregate classification (germline): Uncertain significance. Review status: criteria provided, multiple submitters, no conflicts (2 of 4 stars). 2 submissions from 2 submitters: Uncertain significance (2). Last evaluated 2025-08-05.

Conditions:
Inborn genetic diseases. Identifiers: MedGen C0950123, MeSH D030342.

Allele frequency attached by ClinVar (database versions not stated): gnomAD exomes 0.00001; gnomAD 0.00003; TOPMed 0.00003; 1000 Genomes Project 30x 0.00031.
gnomAD v4.1: 13 of 1,545,282 alleles (0.00084%); highest among the groups gnomAD compares: Admixed American, 0.012%; no homozygotes.

Submissions (2):

Ambry Genetics
Classification: Uncertain significance for Inborn genetic diseases. Last evaluated: 2025-08-05. Review status: criteria provided, single submitter. Criteria: Ambry Variant Classification Scheme 2023. Collection method: clinical testing. Allele origin: germline.

Labcorp Genetics (formerly Invitae), Labcorp
Classification: Uncertain significance. Last evaluated: 2025-07-14. Review status: criteria provided, single submitter. Criteria: Invitae Variant Classification Sherloc (09022015). Collection method: clinical testing. Allele origin: germline.
Comment: This sequence change replaces aspartic acid, which is acidic and polar, with alanine, which is neutral and non-polar, at codon 61 of the ZNF335 protein (p.Asp61Ala). This variant is present in population databases (no rsID available, gnomAD 0.03%). This variant has not been reported in the literature in individuals affected with ZNF335-related conditions. ClinVar contains an entry for this variant (Variation ID: 1909367). An algorithm developed to predict the effect of missense changes on protein structure and function (PolyPhen-2) suggests that this variant is likely to be tolerated. In summary, the available evidence is currently insufficient to determine the role of this variant in disease. Therefore, it has been classified as a Variant of Uncertain Significance.